The following is an entry in ClinVar:

NM_001958.5(EEF1A2):c.311C>T (p.Thr104Met)

Gene: EEF1A2 (eukaryotic translation elongation factor 1 alpha 2; minus strand). Cytogenetic location: 20q13.33.
Variant type: single nucleotide variant.
Coding change: c.311C>T on transcript NM_001958.5 (MANE Select); coding-DNA position 311, C replaced by T.
Protein change: p.Thr104Met; replaces threonine 104 with methionine.
Molecular consequence: missense variant.
Genome position (GRCh38, 1-based): chr20:63,495,869, G>A on the plus strand (C>T on the coding strand, the complement: EEF1A2 is on the minus strand). VCF-style: chr20-63495869-G-A. GRCh37 (hg19) VCF-style: chr20-62127222-G-A.
Other names: short protein forms T104M.
Identifiers: ClinVar variation 1196638 (VCV001196638.4), dbSNP rs2145945412, ClinGen allele CA409651187.

ClinVar aggregate classification (germline): Uncertain significance. Review status: criteria provided, multiple submitters, no conflicts (2 of 4 stars). 2 submissions from 2 submitters: Uncertain significance (2). Last evaluated 2024-03-09.

Submissions (2):

GeneDx
Classification: Uncertain significance. Last evaluated: 2024-03-09. Review status: criteria provided, single submitter. Criteria: GeneDx Variant Classification Process June 2021. Collection method: clinical testing. Allele origin: germline. Affected: yes.
Comment: In silico analysis supports that this missense variant has a deleterious effect on protein structure/function; Has not been previously published as pathogenic or benign to our knowledge

Blueprint Genetics
Classification: Uncertain significance. Last evaluated: 2020-09-30. Review status: criteria provided, single submitter. Criteria: ACMG Guidelines, 2015. Collection method: clinical testing. Allele origin: germline.